The following is an entry in ClinVar:

NM_000350.3(ABCA4):c.164A>G (p.His55Arg)

Gene: ABCA4 (ATP binding cassette subfamily A member 4; minus strand). Cytogenetic location: 1p22.1.
Variant type: single nucleotide variant.
Coding change: c.164A>G on transcript NM_000350.3 (MANE Select); coding-DNA position 164, A replaced by G.
Protein change: p.His55Arg; replaces histidine 55 with arginine.
Molecular consequence: missense variant.
Genome position (GRCh38, 1-based): chr1:94,111,576, T>C on the plus strand (A>G on the coding strand, the complement: ABCA4 is on the minus strand). VCF-style: chr1-94111576-T-C. GRCh37 (hg19) VCF-style: chr1-94577132-T-C.
Other names: c.164A>G, p.His55Arg (NM_001425324.1); short protein forms H55R.
Identifiers: ClinVar variation 2202813 (VCV002202813.4), dbSNP rs2524008173, ClinGen allele CA341285638.

ClinVar aggregate classification (germline): Pathogenic (1 of 4 stars; one submission).

Submission:

Labcorp Genetics (formerly Invitae), Labcorp
Classification: Pathogenic. Last evaluated: 2024-11-07. Review status: criteria provided, single submitter. Criteria: Invitae Variant Classification Sherloc (09022015). Collection method: clinical testing. Allele origin: germline.
Comment: This sequence change replaces histidine, which is basic and polar, with arginine, which is basic and polar, at codon 55 of the ABCA4 protein (p.His55Arg). This variant is not present in population databases (gnomAD no frequency). This missense change has been observed in individual(s) with cone-rod dystrophy and/or Stargardt Disease (PMID: 22264887, 22449572, 33301772). ClinVar contains an entry for this variant (Variation ID: 2202813). Invitae Evidence Modeling of protein sequence and biophysical properties (such as structural, functional, and spatial information, amino acid conservation, physicochemical variation, residue mobility, and thermodynamic stability) indicates that this missense variant is expected to disrupt ABCA4 protein function with a positive predictive value of 95%. For these reasons, this variant has been classified as Pathogenic.

Literature cited by the submitters: PubMed 22264887; PubMed 22449572; PubMed 33301772.